The following is an entry in ClinVar:

ClinVar aggregate classification (germline): Uncertain significance. Review status: criteria provided, multiple submitters, no conflicts (2 of 4 stars). 2 submissions from 2 submitters: Uncertain significance (2). Last evaluated 2025-08-30.

Submissions (2):

Ambry Genetics
Classification: Uncertain significance. Last evaluated: 2025-08-30. Review status: criteria provided, single submitter. Criteria: Ambry Variant Classification Scheme 2023. Collection method: clinical testing. Allele origin: germline.

Labcorp Genetics (formerly Invitae), Labcorp
Classification: Uncertain significance. Last evaluated: 2019-09-10. Review status: criteria provided, single submitter. Criteria: Invitae Variant Classification Sherloc (09022015). Collection method: clinical testing. Allele origin: germline.
Comment: This variant has not been reported in the literature in individuals with AHR-related conditions. This variant is not present in population databases (ExAC no frequency). This sequence change replaces threonine with isoleucine at codon 45 of the AHR protein (p.Thr45Ile). The threonine residue is moderately conserved and there is a moderate physicochemical difference between threonine and isoleucine. Algorithms developed to predict the effect of missense changes on protein structure and function are either unavailable or do not agree on the potential impact of this missense change (SIFT: "Deleterious"; PolyPhen-2: "Possibly Damaging"; Align-GVGD: "Class C15"). In summary, the available evidence is currently insufficient to determine the role of this variant in disease. Therefore, it has been classified as a Variant of Uncertain Significance.

NM_001621.5(AHR):c.134C>T (p.Thr45Ile)

Gene: AHR (aryl hydrocarbon receptor; plus strand). Cytogenetic location: 7p21.1.
Variant type: single nucleotide variant.
Coding change: c.134C>T on transcript NM_001621.5 (MANE Select); coding-DNA position 134, C replaced by T.
Protein change: p.Thr45Ile; replaces threonine 45 with isoleucine.
Molecular consequence: missense variant.
Genome position (GRCh38, 1-based): chr7:17,310,004, C>T. VCF-style: chr7-17310004-C-T. GRCh37 (hg19) VCF-style: chr7-17349628-C-T.
Other names: short protein forms T45I.
Identifiers: ClinVar variation 962335 (VCV000962335.10), dbSNP rs1782045920, ClinGen allele CA366887856.
Genomic context (GRCh38, chr7:17,310,004, plus strand): 5'-CAATCCCAGCTGAAGGAATCAAGTCAAATCCTTCCAAGCGGCATAGAGACCGACTTAATA[C>T]AGAGTTGGACCGTTTGGCTAGCCTGCTGCCTTTCCCACAAGATGTTATTAATAAGTTGGA-3'
Protein context (NP_001612.1, residues 35-55): PSKRHRDRLN[Thr45Ile]ELDRLASLLP